The following is an entry in ClinVar:

ClinVar aggregate classification (germline): Uncertain significance. Review status: criteria provided, multiple submitters, no conflicts (2 of 4 stars). 2 submissions from 2 submitters: Uncertain significance (2). Last evaluated 2026-02-03.

Conditions:
Cardiovascular phenotype. Identifiers: MedGen CN230736.
Hypertrophic cardiomyopathy. Also called: HYPERTROPHIC MYOCARDIOPATHY. Identifiers: Orphanet 217569, MedGen C0007194, MeSH D002312, MONDO:0005045, HP:0001639.

Submissions (2):

Labcorp Genetics (formerly Invitae), Labcorp
Classification: Uncertain significance for Hypertrophic cardiomyopathy. Last evaluated: 2026-02-03. Review status: criteria provided, single submitter. Criteria: Invitae Variant Classification Sherloc (09022015). Collection method: clinical testing. Allele origin: germline.
Comment: This sequence change replaces glycine, which is neutral and non-polar, with alanine, which is neutral and non-polar, at codon 126 of the TPM1 protein (p.Gly126Ala). This variant is not present in population databases (gnomAD no frequency). This variant has not been reported in the literature in individuals affected with TPM1-related conditions. ClinVar contains an entry for this variant (Variation ID: 1734843). An algorithm developed to predict the effect of missense changes on protein structure and function (PolyPhen-2) suggests that this variant is likely to be disruptive. In summary, the available evidence is currently insufficient to determine the role of this variant in disease. Therefore, it has been classified as a Variant of Uncertain Significance.

Ambry Genetics
Classification: Uncertain significance for Cardiovascular phenotype. Last evaluated: 2021-09-03. Review status: criteria provided, single submitter. Criteria: Ambry Variant Classification Scheme 2023. Collection method: clinical testing. Allele origin: germline.
Comment: The p.G126A variant (also known as c.377G>C), located in coding exon 4 of the TPM1 gene, results from a G to C substitution at nucleotide position 377. The glycine at codon 126 is replaced by alanine, an amino acid with similar properties. This amino acid position is highly conserved in available vertebrate species. In addition, this alteration is predicted to be deleterious by in silico analysis. Since supporting evidence is limited at this time, the clinical significance of this alteration remains unclear.

Literature cited by the submitters: PubMed 21454502 (cited by Ambry Genetics); PubMed 24374033 (cited by Ambry Genetics).

NM_001018005.2(TPM1):c.377G>C (p.Gly126Ala)

Gene: TPM1 (tropomyosin 1; plus strand). Cytogenetic location: 15q22.2.
Variant type: single nucleotide variant.
Coding change: c.377G>C on transcript NM_001018005.2 (MANE Select); coding-DNA position 377, G replaced by C.
Protein change: p.Gly126Ala; replaces glycine 126 with alanine.
Molecular consequence: missense variant.
Genome position (GRCh38, 1-based): chr15:63,059,565, G>C. VCF-style: chr15-63059565-G-C. GRCh37 (hg19) VCF-style: chr15-63351764-G-C.
Other names: c.377G>C, p.Gly126Ala (NM_000366.6, NM_001018004.2, NM_001018006.2 and 20 more transcripts); c.269G>C, p.Gly90Ala (NM_001018008.2, NM_001301289.2, NM_001330344.2 and 9 more transcripts); c.503G>C, p.Gly168Ala (NM_001365778.1, NM_001407322.1, NM_001407323.1 and 1 more transcripts); short protein forms G126A, G90A, G168A.
Identifiers: ClinVar variation 1734843 (VCV001734843.5), dbSNP rs1566962034, ClinGen allele CA392721941.